The following is an entry in ClinVar:

NM_147127.5(EVC2):c.1386_1387del (p.Arg463fs)

Genes: EVC2 (EvC ciliary complex subunit 2; minus strand), LOC126806961 (BRD4-independent group 4 enhancer GRCh37_chr4:5641443-5642642; plus strand). Cytogenetic location: 4p16.2.
Variant type: Deletion.
Coding change: c.1386_1387del on transcript NM_147127.5 (MANE Select); coding-DNA positions 1386 to 1387, 2 bases deleted (AA; older notation c.1386_1387delAA).
Protein change: p.Arg463fs; shifts the reading frame from arginine 463.
Molecular consequence: frameshift variant.
Genome position (GRCh38, 1-based): chr4:5,640,597-5,640,598, TT deleted on the plus strand (AA on the coding strand, the reverse complement: EVC2 is on the minus strand). VCF-style (leftmost placement, unchanged base first): chr4-5640596-CTT-C. GRCh37 (hg19) VCF-style: chr4-5642323-CTT-C.
Other names: c.1146_1147del, p.Arg383fs (NM_001166136.2); short protein forms R383fs, R463fs.
Identifiers: ClinVar variation 554836 (VCV000554836.8), dbSNP rs772840335, ClinGen allele CA2835079.
Genomic context (GRCh38, chr4:5,640,596, plus strand): 5'-AACTCTTCTGCTTCCTCCATTGCCATCATCTCTCTCTGGTACTGGTTTTCCATCTTCTTT[CTT>C]GTTTCCAGGTCACATTCAGCTGTCAATGCCACCATCTTCCGATCGTACTCCTCTTGTATT-3'

ClinVar aggregate classification (germline): Pathogenic. Review status: criteria provided, multiple submitters, no conflicts (2 of 4 stars). 3 submissions from 3 submitters: Pathogenic (2). 1 of the submissions does not count toward it. Last evaluated 2023-12-06.

Conditions:
Curry-Hall syndrome (WAD). Also called: WEYERS ACRODENTAL DYSOSTOSIS. Identifiers: Orphanet 952, MedGen C0457013, MONDO:0008673, OMIM 193530.
Ellis-van Creveld syndrome (EVC). Also called: EVC2-Related Ellis-van Creveld Syndrome; EVC-Related Ellis-van Creveld Syndrome; MESOECTODERMAL DYSPLASIA; Chondroectodermal dysplasia. Identifiers: Orphanet 289, MedGen C0013903, MONDO:0009162, OMIM 225500.

Allele frequency attached by ClinVar (database versions not stated): gnomAD exomes below 0.00001; ExAC 0.00001; gnomAD 0.00001; TOPMed 0.00001.

Submissions (3):

Labcorp Genetics (formerly Invitae), Labcorp
Classification: Pathogenic for Curry-Hall syndrome; Ellis-van Creveld syndrome. Last evaluated: 2023-12-06. Review status: criteria provided, single submitter. Criteria: Invitae Variant Classification Sherloc (09022015). Collection method: clinical testing. Allele origin: germline.
Comment: This sequence change creates a premature translational stop signal (p.Arg463Lysfs*26) in the EVC2 gene. It is expected to result in an absent or disrupted protein product. Loss-of-function variants in EVC2 are known to be pathogenic (PMID: 17024374, 19810119, 19876929). This variant is not present in population databases (gnomAD no frequency). This premature translational stop signal has been observed in individual(s) with autosomal recessive Ellis-van Creveld syndrome (PMID: 17024374). ClinVar contains an entry for this variant (Variation ID: 554836). For these reasons, this variant has been classified as Pathogenic.

Fulgent Genetics
Classification: Pathogenic for Curry-Hall syndrome; Ellis-van Creveld syndrome. Last evaluated: 2021-12-15. Review status: criteria provided, single submitter. Criteria: ACMG Guidelines, 2015. Collection method: clinical testing. Allele origin: unknown.

Counsyl
Classification: Likely pathogenic for Ellis-van Creveld syndrome. Last evaluated: 2017-11-07. Review status: no assertion criteria provided. Collection method: clinical testing. Allele origin: unknown. Not counted in ClinVar's aggregate classification.

Literature cited by the submitters: PubMed 17024374 (cited by Labcorp Genetics (formerly Invitae), Labcorp and Counsyl); PubMed 19810119 (cited by Labcorp Genetics (formerly Invitae), Labcorp); PubMed 19876929 (cited by Labcorp Genetics (formerly Invitae), Labcorp).